The following is an entry in ClinVar:

ClinVar aggregate classification (germline): Conflicting classifications of pathogenicity. Review status: criteria provided, conflicting classifications (1 of 4 stars). 3 submissions from 3 submitters: Uncertain significance (1); Likely benign (2). Last evaluated 2026-02-01.

Allele frequency attached by ClinVar (database versions not stated): 1000 Genomes Project 30x 0.00016; 1000 Genomes Project 0.00020; ExAC 0.00055; gnomAD exomes 0.00060 and 0.00116; gnomAD 0.00075 and 0.00078; TOPMed 0.00078; ESP Exome Variant Server 0.00108.
gnomAD v4.1: 1,797 of 1,613,714 alleles (0.11%); highest among the groups gnomAD compares: Non-Finnish European, 0.14%; no homozygotes.

Submissions (3):

Labcorp Genetics (formerly Invitae), Labcorp
Classification: Likely benign. Last evaluated: 2026-02-01. Review status: criteria provided, single submitter. Criteria: Invitae Variant Classification Sherloc (09022015). Collection method: clinical testing. Allele origin: germline.

GeneDx
Classification: Uncertain significance. Last evaluated: 2024-06-23. Review status: criteria provided, single submitter. Criteria: GeneDx Variant Classification Process June 2021. Collection method: clinical testing. Allele origin: germline. Affected: yes.
Comment: In silico analysis indicates that this variant does not alter splicing; Has not been previously published as pathogenic or benign to our knowledge

CeGaT Center for Human Genetics Tuebingen
Classification: Likely benign. Last evaluated: 2024-06-01. Review status: criteria provided, single submitter. Criteria: CeGaT Center For Human Genetics Tuebingen Variant Classification Criteria Version 2. Collection method: clinical testing. Allele origin: germline. Affected: yes. Observed: 1 variant allele.
Comment: UBR1: BP4

NM_174916.3(UBR1):c.3669A>G (p.Ala1223=)

Gene: UBR1 (ubiquitin protein ligase E3 component n-recognin 1; minus strand). Cytogenetic location: 15q15.2.
Variant type: single nucleotide variant.
Coding change: c.3669A>G on transcript NM_174916.3 (MANE Select); coding-DNA position 3669, A replaced by G.
Protein change: p.Ala1223=; no amino-acid change (alanine 1223 retained).
Molecular consequence: synonymous variant.
Genome position (GRCh38, 1-based): chr15:42,998,256, T>C on the plus strand (A>G on the coding strand, the complement: UBR1 is on the minus strand). VCF-style: chr15-42998256-T-C. GRCh37 (hg19) VCF-style: chr15-43290454-T-C.
Identifiers: ClinVar variation 721978 (VCV000721978.29), dbSNP rs146271578, ClinGen allele CA7518112.
Genomic context (GRCh38, chr15:42,998,256, plus strand): 5'-TATTCTGGCCAGAACAGTCTGTATCCACCGTGCCAGGGTCAAAAGTTGAGCAAGAGCATC[T>C]GCATTCTCACTGAAAAATGATATTTAAAAATTATTACAACCATGGGTACAAAGTCAAATG-3'
Protein context (NP_777576.1, residues 1213-1233): LQPQKINSEN[Ala1223=]DALAQLLTLA